The following is an entry in ClinVar:

NM_032444.4(SLX4):c.3028G>A (p.Ala1010Thr)

Gene: SLX4 (SLX4 structure-specific endonuclease subunit; minus strand). Cytogenetic location: 16p13.3.
Variant type: single nucleotide variant.
Coding change: c.3028G>A on transcript NM_032444.4 (MANE Select); coding-DNA position 3028, G replaced by A.
Protein change: p.Ala1010Thr; replaces alanine 1010 with threonine.
Molecular consequence: missense variant.
Genome position (GRCh38, 1-based): chr16:3,590,610, C>T on the plus strand (G>A on the coding strand, the complement: SLX4 is on the minus strand). VCF-style: chr16-3590610-C-T. GRCh37 (hg19) VCF-style: chr16-3640611-C-T.
Other names: short protein forms A1010T.
Identifiers: ClinVar variation 3580497 (VCV003580497.2).

ClinVar aggregate classification (germline): Uncertain significance. Review status: criteria provided, multiple submitters, no conflicts (2 of 4 stars). 2 submissions from 2 submitters: Uncertain significance (2). Last evaluated 2025-06-20.

Conditions:
Fanconi anemia complementation group P. Also called: SLX4-Related Fanconi Anemia. Identifiers: Orphanet 84, MedGen C3469542, MONDO:0013499, OMIM 613951.
Fanconi anemia (FA). Also called: Fanconi's anemia. Identifiers: Orphanet 84, MedGen C0015625, MeSH D005199, MONDO:0019391.

gnomAD v4.1: 12 of 1,613,840 alleles (0.00074%); highest among the groups gnomAD compares: East Asian, 0.0067%; no homozygotes.

Submissions (2):

Labcorp Genetics (formerly Invitae), Labcorp
Classification: Uncertain significance for Fanconi anemia. Last evaluated: 2025-06-20. Review status: criteria provided, single submitter. Criteria: Invitae Variant Classification Sherloc (09022015). Collection method: clinical testing. Allele origin: germline.
Comment: This sequence change replaces alanine, which is neutral and non-polar, with threonine, which is neutral and polar, at codon 1010 of the SLX4 protein (p.Ala1010Thr). This variant is present in population databases (no rsID available, gnomAD 0.006%). This variant has not been reported in the literature in individuals affected with SLX4-related conditions. ClinVar contains an entry for this variant (Variation ID: 3580497). An algorithm developed to predict the effect of missense changes on protein structure and function outputs the following: PolyPhen-2: "Benign". The threonine amino acid residue is found in multiple mammalian species, which suggests that this missense change does not adversely affect protein function. In summary, the available evidence is currently insufficient to determine the role of this variant in disease. Therefore, it has been classified as a Variant of Uncertain Significance.

Fulgent Genetics
Classification: Uncertain significance for Fanconi anemia complementation group P. Last evaluated: 2024-02-03. Review status: criteria provided, single submitter. Criteria: ACMG Guidelines, 2015. Collection method: clinical testing. Allele origin: germline.